The following is an entry in ClinVar:

ClinVar aggregate classification (germline): Likely pathogenic (1 of 4 stars; one submission).

Submission:

GeneDx
Classification: Likely pathogenic. Last evaluated: 2019-11-18. Review status: criteria provided, single submitter. Criteria: GeneDx Variant Classification Process June 2021. Collection method: clinical testing. Allele origin: germline. Affected: yes.
Comment: This substitution is predicted to be within the intracellular loop between the S2 and S3 transmembrane segments of the third homologous domain; The majority of missense variants in this gene are considered pathogenic (Stenson et al., 2014); In silico analysis, which includes protein predictors and evolutionary conservation, supports a deleterious effect; Not observed in large population cohorts (Lek et al., 2016); This variant is associated with the following publications: (PMID: 23586701, 20682179)

NM_001165963.4(SCN1A):c.3820T>A (p.Tyr1274Asn)

Genes: SCN1A (sodium voltage-gated channel alpha subunit 1; minus strand), LOC102724058 (uncharacterized LOC102724058; plus strand). Cytogenetic location: 2q24.3.
Variant type: single nucleotide variant.
Coding change: c.3820T>A on transcript NM_001165963.4 (MANE Select); coding-DNA position 3820, T replaced by A.
Protein change: p.Tyr1274Asn; replaces tyrosine 1274 with asparagine.
Molecular consequence: missense variant. On other transcripts: non-coding transcript variant (1).
Genome position (GRCh38, 1-based): chr2:166,012,168, A>T on the plus strand (T>A on the coding strand, the complement: SCN1A is on the minus strand). VCF-style: chr2-166012168-A-T. GRCh37 (hg19) VCF-style: chr2-166868678-A-T.
Other names: c.3736T>A, p.Tyr1246Asn (NM_001165964.3, NM_001353957.2, NM_001353958.2); c.3820T>A, p.Tyr1274Asn (NM_001202435.3, NM_001353948.2); c.3787T>A, p.Tyr1263Asn (NM_001353949.2, NM_001353950.2, NM_001353951.2 and 2 more transcripts); c.3784T>A, p.Tyr1262Asn (NM_001353954.2, NM_001353955.2); c.1378T>A, p.Tyr460Asn (NM_001353961.2); c.3733T>A, p.Tyr1245Asn (NM_001353960.2); short protein forms Y1245N, Y1246N, Y1262N, Y1263N, Y1274N, Y460N.
Identifiers: ClinVar variation 1200558 (VCV001200558.3), dbSNP rs2105592343, ClinGen allele CA349054196.
Genomic context (GRCh38, chr2:166,012,168, plus strand): 5'-CATCAACAATTAAGAAGTCCAGCCAACACCAGGCATTGGTGAAATATGTTTGATAGCCAT[A>T]TGCCACCCATTTTAGAAGCATTTCCAGAATGAAAATGTAAGTGAAAACCTTGTCAGCATA-3'
Protein context (NP_001159435.1, residues 1264-1284): ILEMLLKWVA[Tyr1274Asn]GYQTYFTNAW